The following is an entry in ClinVar:

ClinVar aggregate classification (germline): Pathogenic (1 of 4 stars; one submission).

Conditions:
ERCC2-related disorder. Also called: ERCC2-related conditions; ERCC2-related condition; ERCC2-related disorders. Identifiers: MedGen CN239291.

Submission:

Myriad Genetics, Inc.
Classification: Pathogenic for ERCC2-related disorder. Last evaluated: 2025-02-17. Review status: criteria provided, single submitter. Criteria: Myriad Autosomal Dominant, Autosomal Recessive and X-Linked Classification Criteria (2023). Collection method: clinical testing. Allele origin: unknown.
Comment: NM_000400.3(ERCC2):c.177C>G(Y59*) is expected to be pathogenic in the context of ERCC2-related disorders. This variant is predicted to lead to an abnormal or absent protein product due to the creation of a premature termination codon in ERCC2, a gene where loss-of-function variants are known to be pathogenic. Please note: this variant was assessed in the context of healthy population screening.

NM_000400.4(ERCC2):c.177C>G (p.Tyr59Ter)

Gene: ERCC2 (ERCC excision repair 2, TFIIH core complex helicase subunit; minus strand). Cytogenetic location: 19q13.32.
Variant type: single nucleotide variant.
Coding change: c.177C>G on transcript NM_000400.4 (MANE Select); coding-DNA position 177, C replaced by G.
Protein change: p.Tyr59Ter; replaces tyrosine 59 with a stop codon.
Molecular consequence: nonsense. On other transcripts: non-coding transcript variant (2), intron variant (1).
Genome position (GRCh38, 1-based): chr19:45,369,076, G>C on the plus strand (C>G on the coding strand, the complement: ERCC2 is on the minus strand). VCF-style: chr19-45369076-G-C. GRCh37 (hg19) VCF-style: chr19-45872334-G-C.
Other names: c.105C>G, p.Tyr35Ter (NM_001130867.2, NM_001440355.1); c.54C>G, p.Tyr18Ter (NM_001440357.1); c.106-84C>G (NM_001440356.1); short protein forms Y18*, Y35*, Y59*.
Identifiers: ClinVar variation 5014104 (VCV005014104.1).